The following is an entry in ClinVar:

NM_002661.5(PLCG2):c.700G>A (p.Asp234Asn)

Gene: PLCG2 (phospholipase C gamma 2; plus strand). Cytogenetic location: 16q23.3.
Variant type: single nucleotide variant.
Coding change: c.700G>A on transcript NM_002661.5 (MANE Select); coding-DNA position 700, G replaced by A.
Protein change: p.Asp234Asn; replaces aspartic acid 234 with asparagine.
Molecular consequence: missense variant.
Genome position (GRCh38, 1-based): chr16:81,883,276, G>A. VCF-style: chr16-81883276-G-A. GRCh37 (hg19) VCF-style: chr16-81916881-G-A.
Other names: c.700G>A, p.Asp234Asn (NM_001425749.1, NM_001425750.1, NM_001425751.1); short protein forms D234N.
Identifiers: ClinVar variation 2799019 (VCV002799019.3), dbSNP rs2507596686, ClinGen allele CA396908076.
Genomic context (GRCh38, chr16:81,883,276, plus strand): 5'-CTCCTCTGTTGAATGTGTCTGTCTCTAACTGCACCCCCTTTCCCCGAGGATAGGAACACT[G>A]ACAGGCCGGATGCCTCTGCTGTTTACCTGCATGACTTCCAGAGGTTTCTCATACATGAAC-3'
Protein context (NP_002652.2, residues 224-244): DSSVFILGNT[Asp234Asn]RPDASAVYLH

ClinVar aggregate classification (germline): Uncertain significance (1 of 4 stars; one submission).

Conditions:
Familial cold autoinflammatory syndrome 3 (FCAS3). Also called: FAMILIAL ATYPICAL COLD URTICARIA; ANTIBODY DEFICIENCY AND IMMUNE DYSREGULATION, PLCG2-ASSOCIATED. Identifiers: Orphanet 300359, MedGen C3280914, MONDO:0013766, OMIM 614468.

Submission:

Labcorp Genetics (formerly Invitae), Labcorp
Classification: Uncertain significance for Familial cold autoinflammatory syndrome 3. Last evaluated: 2024-05-23. Review status: criteria provided, single submitter. Criteria: Invitae Variant Classification Sherloc (09022015). Collection method: clinical testing. Allele origin: germline.
Comment: This sequence change replaces aspartic acid, which is acidic and polar, with asparagine, which is neutral and polar, at codon 234 of the PLCG2 protein (p.Asp234Asn). This variant is not present in population databases (gnomAD no frequency). This variant has not been reported in the literature in individuals affected with PLCG2-related conditions. An algorithm developed to predict the effect of missense changes on protein structure and function (PolyPhen-2) suggests that this variant is likely to be disruptive. In summary, the available evidence is currently insufficient to determine the role of this variant in disease. Therefore, it has been classified as a Variant of Uncertain Significance.